The following is an entry in ClinVar:

ClinVar aggregate classification (germline): Benign. Review status: criteria provided, multiple submitters, no conflicts (2 of 4 stars). 3 submissions from 3 submitters: Benign (2). 1 of the submissions does not count toward it. Last evaluated 2026-02-01.

Conditions:
PTPN23-related disorder. Also called: PTPN23-related condition.

Allele frequency attached by ClinVar (database versions not stated): ExAC 0.00159; gnomAD exomes 0.00140; TOPMed 0.00078; 1000 Genomes Project 30x 0.00437; 1000 Genomes Project 0.00479.
gnomAD v4.1: 942 of 1,606,228 alleles (0.059%); highest among the groups gnomAD compares: East Asian, 1.8%; 9 homozygotes.

Submissions (3):

Labcorp Genetics (formerly Invitae), Labcorp
Classification: Benign. Last evaluated: 2026-02-01. Review status: criteria provided, single submitter. Criteria: Invitae Variant Classification Sherloc (09022015). Collection method: clinical testing. Allele origin: germline.

Breakthrough Genomics
Classification: Benign. Review status: criteria provided, single submitter. Criteria: ACMG Guidelines, 2015. Collection method: not provided. Allele origin: germline. Inheritance: Autosomal recessive inheritance. Affected: yes.

PreventionGenetics, part of Exact Sciences
Classification: Benign for PTPN23-related condition. Last evaluated: 2019-04-01. Review status: no assertion criteria provided. Collection method: clinical testing. Allele origin: germline. Not counted in ClinVar's aggregate classification.
Comment: This variant is classified as benign based on ACMG/AMP sequence variant interpretation guidelines (Richards et al. 2015 PMID: 25741868, with internal and published modifications).

NM_015466.4(PTPN23):c.2490G>T (p.Glu830Asp)

Gene: PTPN23 (protein tyrosine phosphatase non-receptor type 23; plus strand). Cytogenetic location: 3p21.31.
Variant type: single nucleotide variant.
Coding change: c.2490G>T on transcript NM_015466.4 (MANE Select); coding-DNA position 2490, G replaced by T.
Protein change: p.Glu830Asp; replaces glutamic acid 830 with aspartic acid.
Molecular consequence: missense variant.
Genome position (GRCh38, 1-based): chr3:47,410,288, G>T. VCF-style: chr3-47410288-G-T. GRCh37 (hg19) VCF-style: chr3-47451778-G-T.
Other names: c.2112G>T, p.Glu704Asp (NM_001304482.2); c.2490G>T (NM_015466.3); short protein forms E704D, E830D.
Identifiers: ClinVar variation 1562933 (VCV001562933.10), dbSNP rs117855006, ClinGen allele CA2366057.